The following is an entry in ClinVar:

ClinVar aggregate classification (germline): Likely pathogenic (1 of 4 stars; one submission).

Conditions:
Fabry disease. Also called: ALPHA-GALACTOSIDASE A DEFICIENCY; ANDERSON-FABRY DISEASE; CERAMIDE TRIHEXOSIDASE DEFICIENCY; GLA DEFICIENCY; HEREDITARY DYSTOPIC LIPIDOSIS; Angiokeratoma corporis diffusum. Identifiers: Orphanet 324, MedGen C0002986, MONDO:0010526, OMIM 301500, HP:0001071. Disease mechanism: Fabry disease is due to inactivating mutations in the X-linked GLA gene resulting in deficiency of the enzyme Alpha Galactosidase-A., loss of function.

Submission:

Genomenon, Inc
Classification: Likely pathogenic for Fabry disease. Last evaluated: 2026-09-08. Review status: criteria provided, single submitter. Criteria: Genomenon Sequence Variant Interpretation Standards - Updated. Collection method: curation. Allele origin: germline. Affected: yes.
Comment: GLA p.Asn34Lys (c.102T>G) is a missense variant that changes the amino acid at codon 34 from Asparagine to Lysine. This variant has been observed in at least one proband with clinical features consistent with Fabry disease (PMID:16595074). At least one functional study has demonstrated a substantial alteration in protein function relative to the wild-type (PMID:27657681). It is absent or not present at a significant frequency in gnomAD. In silico models predict that this variant is possibly or probably damaging. In conclusion, we classify GLA p.Asn34Lys (c.102T>G) as a likely pathogenic variant.

Literature cited by the submitters: PubMed 16595074; PubMed 27657681.

NM_000169.3(GLA):c.102T>G (p.Asn34Lys)

Genes: GLA (galactosidase alpha; minus strand), RPL36A-HNRNPH2 (RPL36A-HNRNPH2 readthrough; plus strand). Cytogenetic location: Xq22.1.
Variant type: single nucleotide variant.
Coding change: c.102T>G on transcript NM_000169.3 (MANE Select); coding-DNA position 102, T replaced by G.
Protein change: p.Asn34Lys; replaces asparagine 34 with lysine.
Molecular consequence: missense variant. On other transcripts: non-coding transcript variant (3), intron variant (2).
Genome position (GRCh38, 1-based): chrX:101,407,802, A>C on the plus strand (T>G on the coding strand, the complement: GLA is on the minus strand). VCF-style: chrX-101407802-A-C. GRCh37 (hg19) VCF-style: chrX-100662790-A-C.
Other names: c.102T>G, p.Asn34Lys (NM_001406747.1, NM_001406748.1, NM_001406749.1); c.301-4134A>C (NM_001199973.2); c.178-4134A>C (NM_001199974.2); short protein forms N34K.
Identifiers: ClinVar variation 4087459 (VCV004087459.2).